The following is an entry in ClinVar:

NM_001042492.3(NF1):c.2990+3A>T

Gene: NF1 (neurofibromin 1; plus strand). Cytogenetic location: 17q11.2.
Variant type: single nucleotide variant.
Coding change: c.2990+3A>T on transcript NM_001042492.3 (MANE Select); 3 bases into the intron after coding-DNA position 2990, A replaced by T.
Molecular consequence: intron variant.
Genome position (GRCh38, 1-based): chr17:31,229,977, A>T. VCF-style: chr17-31229977-A-T. GRCh37 (hg19) VCF-style: chr17-29556995-A-T.
Other names: c.2990+3A>T (NM_000267.4).
Identifiers: ClinVar variation 649964 (VCV000649964.4), dbSNP rs1597716487, ClinGen allele CA915949829.
Genomic context (GRCh38, chr17:31,229,977, plus strand): 5'-GCAGCTCTGAACATCTAGGGCAAGCTAGCATTGAAACAATGATGTTAAATCTGGTCAGGT[A>T]AGCATTCTACTGAAATGTAGCAGAAACATTTTAAGAGATAAGAAAAACCTCTTACACACT-3'

ClinVar aggregate classification (germline): Uncertain significance (1 of 4 stars; one submission).

Conditions:
Neurofibromatosis, type 1 (NF1). Also called: VON RECKLINGHAUSEN DISEASE; Neurofibromatosis, type I; NEUROFIBROMATOSIS, TYPE I, SOMATIC; Peripheral type neurofibromatosis. Identifiers: Orphanet 636, MedGen C0027831, MONDO:0018975, OMIM 162200. Disease mechanism: loss of function.

Submission:

Labcorp Genetics (formerly Invitae), Labcorp
Classification: Uncertain significance for Neurofibromatosis, type 1. Last evaluated: 2025-08-05. Review status: criteria provided, single submitter. Criteria: Invitae Variant Classification Sherloc (09022015). Collection method: clinical testing. Allele origin: germline.
Comment: This sequence change falls in intron 22 of the NF1 gene. It does not directly change the encoded amino acid sequence of the NF1 protein. It affects a nucleotide within the consensus splice site. This variant is not present in population databases (gnomAD no frequency). This variant has been observed in individual(s) with clinical features of neurofibromatosis type 1 (internal data). ClinVar contains an entry for this variant (Variation ID: 649964). Variants that disrupt the consensus splice site are a relatively common cause of aberrant splicing (PMID: 17576681, 9536098). Algorithms developed to predict the effect of sequence changes on RNA splicing suggest that this variant may disrupt the consensus splice site. In summary, the available evidence is currently insufficient to determine the role of this variant in disease. Therefore, it has been classified as a Variant of Uncertain Significance.

Literature cited by the submitters: PubMed 17576681; PubMed 9536098.